The following is an entry in ClinVar:

ClinVar aggregate classification (germline): Pathogenic (1 of 4 stars; one submission).

gnomAD v4.1: 4 of 1,609,260 alleles (0.00025%); highest among the groups gnomAD compares: Non-Finnish European, 0.00034%; no homozygotes.

Submission:

Labcorp Genetics (formerly Invitae), Labcorp
Classification: Pathogenic. Last evaluated: 2024-05-14. Review status: criteria provided, single submitter. Criteria: Invitae Variant Classification Sherloc (09022015). Collection method: clinical testing. Allele origin: germline.
Comment: This sequence change creates a premature translational stop signal (p.Arg434*) in the PHIP gene. It is expected to result in an absent or disrupted protein product. Loss-of-function variants in PHIP are known to be pathogenic (PMID: 27900362). This variant is not present in population databases (gnomAD no frequency). This variant has not been reported in the literature in individuals affected with PHIP-related conditions. Algorithms developed to predict the effect of sequence changes on RNA splicing suggest that this variant may disrupt the consensus splice site. For these reasons, this variant has been classified as Pathogenic.

Literature cited by the submitters: PubMed 27900362.

NM_017934.7(PHIP):c.1300C>T (p.Arg434Ter)

Gene: PHIP (PHIP subunit of CUL4-Ring ligase complex; minus strand). Cytogenetic location: 6q14.1.
Variant type: single nucleotide variant.
Coding change: c.1300C>T on transcript NM_017934.7 (MANE Select); coding-DNA position 1300, C replaced by T.
Protein change: p.Arg434Ter; replaces arginine 434 with a stop codon.
Molecular consequence: nonsense.
Genome position (GRCh38, 1-based): chr6:79,015,719, G>A on the plus strand (C>T on the coding strand, the complement: PHIP is on the minus strand). VCF-style: chr6-79015719-G-A. GRCh37 (hg19) VCF-style: chr6-79725436-G-A.
Other names: short protein forms R434*.
Identifiers: ClinVar variation 3653303 (VCV003653303.2).